The following is an entry in ClinVar:

NM_000548.5(TSC2):c.754C>A (p.Leu252Ile)

Gene: TSC2 (TSC complex subunit 2; plus strand). Cytogenetic location: 16p13.3.
Variant type: single nucleotide variant.
Coding change: c.754C>A on transcript NM_000548.5 (MANE Select); coding-DNA position 754, C replaced by A.
Protein change: p.Leu252Ile; replaces leucine 252 with isoleucine.
Molecular consequence: missense variant.
Genome position (GRCh38, 1-based): chr16:2,056,749, C>A. VCF-style: chr16-2056749-C-A. GRCh37 (hg19) VCF-style: chr16-2106750-C-A.
Other names: c.754C>A, p.Leu252Ile (NM_001077183.3, NM_001114382.3, NM_001363528.2 and 3 more transcripts); c.643C>A, p.Leu215Ile (NM_001318827.2); c.607C>A, p.Leu203Ile (NM_001318829.2); c.154C>A, p.Leu52Ile (NM_001318831.2); c.787C>A, p.Leu263Ile (NM_001318832.2); short protein forms L252I, L203I, L52I, L215I, L263I.
Identifiers: ClinVar variation 566158 (VCV000566158.9), dbSNP rs766770734, ClinGen allele CA394312787.

ClinVar aggregate classification (germline): Uncertain significance (1 of 4 stars; one submission).

Conditions:
Tuberous sclerosis 2 (TSC2). Identifiers: Orphanet 805, MedGen C1860707, MONDO:0013199, OMIM 613254.

Submission:

Labcorp Genetics (formerly Invitae), Labcorp
Classification: Uncertain significance for Tuberous sclerosis 2. Last evaluated: 2024-11-11. Review status: criteria provided, single submitter. Criteria: Invitae Variant Classification Sherloc (09022015). Collection method: clinical testing. Allele origin: germline.
Comment: This sequence change replaces leucine, which is neutral and non-polar, with isoleucine, which is neutral and non-polar, at codon 252 of the TSC2 protein (p.Leu252Ile). This variant is not present in population databases (gnomAD no frequency). This variant has not been reported in the literature in individuals affected with TSC2-related conditions. ClinVar contains an entry for this variant (Variation ID: 566158). Invitae Evidence Modeling of protein sequence and biophysical properties (such as structural, functional, and spatial information, amino acid conservation, physicochemical variation, residue mobility, and thermodynamic stability) indicates that this missense variant is not expected to disrupt TSC2 protein function with a negative predictive value of 95%. In summary, the available evidence is currently insufficient to determine the role of this variant in disease. Therefore, it has been classified as a Variant of Uncertain Significance.